The following is an entry in ClinVar:

NM_177438.3(DICER1):c.3247A>G (p.Arg1083Gly)

Gene: DICER1 (dicer 1, ribonuclease III; minus strand). Cytogenetic location: 14q32.13.
Variant type: single nucleotide variant.
Coding change: c.3247A>G on transcript NM_177438.3 (MANE Select); coding-DNA position 3247, A replaced by G.
Protein change: p.Arg1083Gly; replaces arginine 1083 with glycine.
Molecular consequence: missense variant. On other transcripts: non-coding transcript variant (6).
Genome position (GRCh38, 1-based): chr14:95,105,093, T>C on the plus strand (A>G on the coding strand, the complement: DICER1 is on the minus strand). VCF-style: chr14-95105093-T-C. GRCh37 (hg19) VCF-style: chr14-95571430-T-C.
Other names: c.3247A>G, p.Arg1083Gly (NM_001195573.1, NM_001271282.3, NM_001291628.2 and 13 more transcripts); c.2965A>G, p.Arg989Gly (NM_001395686.1); c.2842A>G, p.Arg948Gly (NM_001395687.1, NM_001395688.1, NM_001395689.1 and 2 more transcripts); c.2680A>G, p.Arg894Gly (NM_001395691.1); c.1564A>G, p.Arg522Gly (NM_001395697.1); short protein forms R1083G, R948G, R894G, R522G, R989G.
Identifiers: ClinVar variation 1729352 (VCV001729352.9), dbSNP rs1891291831, ClinGen allele CA390876334.

ClinVar aggregate classification (germline): Uncertain significance. Review status: criteria provided, multiple submitters, no conflicts (2 of 4 stars). 3 submissions from 3 submitters: Uncertain significance (3). Last evaluated 2024-11-21.

Conditions:
DICER1-related tumor predisposition. Also called: DICER1 syndrome; DICER1-related pleuropulmonary blastoma cancer predisposition syndrome. Identifiers: Orphanet 284343, MedGen C3839822, MONDO:0100216.
Hereditary cancer-predisposing syndrome. Also called: Neoplastic Syndromes, Hereditary; Tumor predisposition; Hereditary Cancer Syndrome; Hereditary neoplastic syndrome. Identifiers: Orphanet 140162, MedGen C0027672, MeSH D009386, MONDO:0015356.

Allele frequency attached by ClinVar (database versions not stated): gnomAD exomes below 0.00001; gnomAD 0.00001.
gnomAD v4.1: 2 of 1,614,078 alleles (0.00012%); highest among the groups gnomAD compares: African/African-American, 0.0013%; no homozygotes.

Submissions (3):

Ambry Genetics
Classification: Uncertain significance for Hereditary cancer-predisposing syndrome. Last evaluated: 2024-11-21. Review status: criteria provided, single submitter. Criteria: Ambry Variant Classification Scheme 2023. Collection method: clinical testing. Allele origin: germline.
Comment: The p.R1083G variant (also known as c.3247A>G), located in coding exon 19 of the DICER1 gene, results from an A to G substitution at nucleotide position 3247. The arginine at codon 1083 is replaced by glycine, an amino acid with dissimilar properties. This amino acid position is not well conserved in available vertebrate species. In addition, this alteration is predicted to be tolerated by in silico analysis. Based on the available evidence, the clinical significance of this variant remains unclear.

GeneDx
Classification: Uncertain significance. Last evaluated: 2024-11-05. Review status: criteria provided, single submitter. Criteria: GeneDx Variant Classification Process June 2021. Collection method: clinical testing. Allele origin: germline. Affected: yes.
Comment: Not observed at significant frequency in large population cohorts (gnomAD); In silico analysis indicates that this missense variant does not alter protein structure/function; Has not been previously published as pathogenic or benign to our knowledge

Labcorp Genetics (formerly Invitae), Labcorp
Classification: Uncertain significance for DICER1-related tumor predisposition. Last evaluated: 2022-10-24. Review status: criteria provided, single submitter. Criteria: Invitae Variant Classification Sherloc (09022015). Collection method: clinical testing. Allele origin: germline.
Comment: In summary, the available evidence is currently insufficient to determine the role of this variant in disease. Therefore, it has been classified as a Variant of Uncertain Significance. Advanced modeling of protein sequence and biophysical properties (such as structural, functional, and spatial information, amino acid conservation, physicochemical variation, residue mobility, and thermodynamic stability) performed at Invitae indicates that this missense variant is not expected to disrupt DICER1 protein function. This variant has not been reported in the literature in individuals affected with DICER1-related conditions. This variant is not present in population databases (gnomAD no frequency). This sequence change replaces arginine, which is basic and polar, with glycine, which is neutral and non-polar, at codon 1083 of the DICER1 protein (p.Arg1083Gly).